The following is an entry in ClinVar:

NM_014014.5(SNRNP200):c.2036+1del

Gene: SNRNP200 (small nuclear ribonucleoprotein U5 subunit 200; minus strand). Cytogenetic location: 2q11.2.
Variant type: Deletion.
Coding change: c.2036+1del on transcript NM_014014.5 (MANE Select); the canonical splice donor site of the intron after coding-DNA position 2036, one base deleted (G; older notation c.2036+1delG).
Molecular consequence: splice donor variant.
Genome position (GRCh38, 1-based): chr2:96,293,315, C deleted on the plus strand (G on the coding strand, the reverse complement: SNRNP200 is on the minus strand); the first of 2 consecutive C bases (chr2:96,293,315-96,293,316); deleting either gives the same sequence. VCF-style (leftmost placement, unchanged base first): chr2-96293314-AC-A. GRCh37 (hg19) VCF-style: chr2-96959052-AC-A.
Identifiers: ClinVar variation 1361718 (VCV001361718.6), dbSNP rs2104352342, ClinGen allele CA2573135953.

ClinVar aggregate classification (germline): Uncertain significance (1 of 4 stars; one submission).

Submission:

Labcorp Genetics (formerly Invitae), Labcorp
Classification: Uncertain significance. Last evaluated: 2021-02-08. Review status: criteria provided, single submitter. Criteria: Invitae Variant Classification Sherloc (09022015). Collection method: clinical testing. Allele origin: germline.
Comment: This sequence change creates a premature translational stop signal (p.Ser679Thrfs*26) in the SNRNP200 gene. It is expected to result in an absent or disrupted protein product. However, the current clinical and genetic evidence is not sufficient to establish whether loss-of-function variants in SNRNP200 cause disease. This variant is not present in population databases (ExAC no frequency). This variant has not been reported in the literature in individuals with SNRNP200-related conditions. Algorithms developed to predict the effect of sequence changes on RNA splicing suggest that this variant may disrupt the consensus splice site, but this prediction has not been confirmed by published transcriptional studies. In summary, the available evidence is currently insufficient to determine the role of this variant in disease. Therefore, it has been classified as a Variant of Uncertain Significance.